The following is an entry in ClinVar:

NM_015450.3(POT1):c.1270T>C (p.Trp424Arg)

Gene: POT1 (protection of telomeres 1; minus strand). Cytogenetic location: 7q31.33.
Variant type: single nucleotide variant.
Coding change: c.1270T>C on transcript NM_015450.3 (MANE Select); coding-DNA position 1270, T replaced by C.
Protein change: p.Trp424Arg; replaces tryptophan 424 with arginine.
Molecular consequence: missense variant. On other transcripts: non-coding transcript variant (3).
Genome position (GRCh38, 1-based): chr7:124,841,072, A>G on the plus strand (T>C on the coding strand, the complement: POT1 is on the minus strand). VCF-style: chr7-124841072-A-G. GRCh37 (hg19) VCF-style: chr7-124481126-A-G.
Other names: c.877T>C, p.Trp293Arg (NM_001042594.2); short protein forms W293R, W424R.
Identifiers: ClinVar variation 818753 (VCV000818753.7), dbSNP rs1584757234, ClinGen allele CA369067244.
Genomic context (GRCh38, chr7:124,841,072, plus strand): 5'-TACCATTATTTTTCACAAAATGAACTGCTACTTTTCGTCCTTTTTGATTTTTAGTGGTCC[A>G]GATTTTTGAATCATATAATGATGTATTTTGTAGCTTGACATCTGGGGTTTTAGTTGCACC-3'
Protein context (NP_056265.2, residues 414-434): QNTSLYDSKI[Trp424Arg]TTKNQKGRKV

ClinVar aggregate classification (germline): Uncertain significance. Review status: criteria provided, multiple submitters, no conflicts (2 of 4 stars). 3 submissions from 3 submitters: Uncertain significance (3). Last evaluated 2024-05-29.

Conditions:
Tumor predisposition syndrome 3 (TPDS3). Also called: Glioma susceptibility 9; LONG TELOMERE SYNDROME, POT1-RELATED; POT1 Tumor Predisposition; Melanoma, cutaneous malignant, susceptibility to, 10. Identifiers: Orphanet 618, MedGen C4014476, MONDO:0014368, OMIM 615848.
Hereditary cancer-predisposing syndrome. Also called: Tumor predisposition; Hereditary Cancer Syndrome; Hereditary neoplastic syndrome; Neoplastic Syndromes, Hereditary. Identifiers: Orphanet 140162, MedGen C0027672, MeSH D009386, MONDO:0015356.
Pulmonary fibrosis and/or bone marrow failure syndrome, telomere-related, 8 (PFBMFT8). Identifiers: MedGen C5830496, MONDO:0957263, OMIM 620367.
Cerebroretinal microangiopathy with calcifications and cysts 3 (CRMCC3). Identifiers: MedGen C5830497, MONDO:0957264, OMIM 620368.

Submissions (3):

Labcorp Genetics (formerly Invitae), Labcorp
Classification: Uncertain significance for Tumor predisposition syndrome 3. Last evaluated: 2024-05-29. Review status: criteria provided, single submitter. Criteria: Invitae Variant Classification Sherloc (09022015). Collection method: clinical testing. Allele origin: germline.
Comment: This sequence change replaces tryptophan, which is neutral and slightly polar, with arginine, which is basic and polar, at codon 424 of the POT1 protein (p.Trp424Arg). This variant is not present in population databases (gnomAD no frequency). This variant has not been reported in the literature in individuals affected with POT1-related conditions. ClinVar contains an entry for this variant (Variation ID: 818753). Advanced modeling of protein sequence and biophysical properties (such as structural, functional, and spatial information, amino acid conservation, physicochemical variation, residue mobility, and thermodynamic stability) performed at Invitae indicates that this missense variant is not expected to disrupt POT1 protein function with a negative predictive value of 80%. In summary, the available evidence is currently insufficient to determine the role of this variant in disease. Therefore, it has been classified as a Variant of Uncertain Significance.

Fulgent Genetics
Classification: Uncertain significance for Tumor predisposition syndrome 3; Pulmonary fibrosis and/or bone marrow failure syndrome, telomere-related, 8; Cerebroretinal microangiopathy with calcifications and cysts 3. Last evaluated: 2024-02-28. Review status: criteria provided, single submitter. Criteria: ACMG Guidelines, 2015. Collection method: clinical testing. Allele origin: germline.

Ambry Genetics
Classification: Uncertain significance for Hereditary cancer-predisposing syndrome. Last evaluated: 2018-11-15. Review status: criteria provided, single submitter. Criteria: Ambry Variant Classification Scheme 2023. Collection method: clinical testing. Allele origin: germline.
Comment: The p.W424R variant (also known as c.1270T>C), located in coding exon 10 of the POT1 gene, results from a T to C substitution at nucleotide position 1270. The tryptophan at codon 424 is replaced by arginine, an amino acid with dissimilar properties. This amino acid position is highly conserved in available vertebrate species. In addition, the in silico prediction for this alteration is inconclusive. Since supporting evidence is limited at this time, the clinical significance of this alteration remains unclear.